The following is an entry in ClinVar:

ClinVar aggregate classification (germline): Pathogenic (1 of 4 stars; one submission).

Conditions:
Fabry disease. Also called: Fabry's disease; ALPHA-GALACTOSIDASE A DEFICIENCY; ANDERSON-FABRY DISEASE; CERAMIDE TRIHEXOSIDASE DEFICIENCY; GLA DEFICIENCY; HEREDITARY DYSTOPIC LIPIDOSIS. Identifiers: Orphanet 324, MedGen C0002986, MONDO:0010526, OMIM 301500, HP:0001071. Disease mechanism: Fabry disease is due to inactivating mutations in the X-linked GLA gene resulting in deficiency of the enzyme Alpha Galactosidase-A., loss of function.

Submission:

Genomenon, Inc
Classification: Pathogenic for Fabry disease. Last evaluated: 2026-09-08. Review status: criteria provided, single submitter. Criteria: Genomenon Sequence Variant Interpretation Standards - Updated. Collection method: curation. Allele origin: germline. Affected: yes.
Comment: GLA p.Thr366TyrfsTer9 (c.1094_1095insC) is a frameshift variant that is predicted to introduce a premature termination codon and result in a truncated or absent protein product. This variant has been observed in at least one proband with clinical features consistent with Fabry disease (PMID:9100224). It is absent or not present at a significant frequency in gnomAD. In conclusion, we classify GLA p.Thr366TyrfsTer9 (c.1094_1095insC) as a pathogenic variant.

Literature cited by the submitters: PubMed 9100224.

NM_000169.3(GLA):c.1094_1095insC (p.Thr366fs)

Genes: GLA (galactosidase alpha; minus strand), RPL36A-HNRNPH2 (RPL36A-HNRNPH2 readthrough; plus strand). Cytogenetic location: Xq22.1.
Variant type: Insertion.
Coding change: c.1094_1095insC on transcript NM_000169.3 (MANE Select); coding-DNA positions 1094 to 1095, C inserted.
Protein change: p.Thr366fs; shifts the reading frame from threonine 366.
Molecular consequence: frameshift variant. On other transcripts: non-coding transcript variant (3), intron variant (2).
Genome position: GRCh38 VCF-style: chrX-101398004-A-AG. GRCh37 (hg19) VCF-style: chrX-100652992-A-AG.
Other names: c.1217_1218insC, p.Thr407fs (NM_001406747.1); c.300+2547_300+2548insG (NM_001199973.2); c.177+6182_177+6183insG (NM_001199974.2); short protein forms T366fs, T407fs.
Identifiers: ClinVar variation 4974841 (VCV004974841.1).